The following is an entry in ClinVar:

NM_000246.4(CIITA):c.628+84G>A

Gene: CIITA (class II major histocompatibility complex transactivator; plus strand). Cytogenetic location: 16p13.13.
Variant type: single nucleotide variant.
Coding change: c.628+84G>A on transcript NM_000246.4 (MANE Select); 84 bases into the intron after coding-DNA position 628, G replaced by A.
Molecular consequence: intron variant.
Genome position (GRCh38, 1-based): chr16:10,902,268, G>A. VCF-style: chr16-10902268-G-A. GRCh37 (hg19) VCF-style: chr16-10996125-G-A.
Other names: c.631+84G>A (NM_001286402.1, NM_001379332.1); c.485-390G>A (NM_001379330.1); c.628+84G>A (NM_001379333.1); c.482-390G>A (NM_001379331.1, NM_001286403.2); c.559+84G>A (NM_001379334.1).
Identifiers: ClinVar variation 103012 (VCV000103012.2), dbSNP rs199476066, ClinGen allele CA229992.

ClinVar aggregate classification (germline): not provided (0 of 4 stars; one submission).

gnomAD v4.1: 2 of 1,561,978 alleles (0.00013%); highest among the groups gnomAD compares: African/African-American, 0.0014%; no homozygotes.

Submission:

Human Evolutionary Genetics, Institut Pasteur
No classification provided. Review status: no classification provided. Collection method: not provided. Allele origin: germline.
ClinVar note: Converted during submission from untested to not provided.